The following is an entry in ClinVar:

ClinVar aggregate classification (germline): Pathogenic (1 of 4 stars; one submission).

Conditions:
Familial cancer of breast. Also called: BREAST CANCER, FAMILIAL; Hereditary breast cancer; hereditary breast carcinoma. Identifiers: Orphanet 227535, MedGen C0346153, MONDO:0016419, OMIM 114480. Disease mechanism: loss of function.

Submission:

MVZ Medizinische Genetik Mainz
Classification: Pathogenic for Familial cancer of breast. Last evaluated: 2023-04-12. Review status: criteria provided, single submitter. Criteria: UK Practice Guidelines For Variant Classification V4 01 2020. Collection method: clinical testing. Allele origin: germline. Inheritance: Autosomal dominant inheritance. Affected: yes. Observed: 1 variant allele.
Comment: ACMG Criteria: PVS1,PM2_SUP_MOD

NM_032043.3(BRIP1):c.107_108del (p.Gly35_Leu36insTer)

Gene: BRIP1 (BRCA1 interacting DNA helicase 1; minus strand). Cytogenetic location: 17q23.2.
Variant type: Deletion.
Coding change: c.107_108del on transcript NM_032043.3 (MANE Select); coding-DNA positions 107 to 108, 2 bases deleted (TA; older notation c.107_108delTA).
Protein change: p.Gly35_Leu36insTer.
Molecular consequence: nonsense.
Genome position (GRCh38, 1-based): chr17:61,859,893-61,859,894, TA deleted on the plus strand (TA on the coding strand, the reverse complement: BRIP1 is on the minus strand). VCF-style (leftmost placement, unchanged base first): chr17-61859892-TTA-T. GRCh37 (hg19) VCF-style: chr17-59937253-TTA-T.
Identifiers: ClinVar variation 3235220 (VCV003235220.1), dbSNP rs2545473289.